The following is an entry in ClinVar:

NM_001567.4(INPPL1):c.1309C>A (p.Pro437Thr)

Gene: INPPL1 (inositol polyphosphate phosphatase like 1; plus strand). Cytogenetic location: 11q13.4.
Variant type: single nucleotide variant.
Coding change: c.1309C>A on transcript NM_001567.4 (MANE Select); coding-DNA position 1309, C replaced by A.
Protein change: p.Pro437Thr; replaces proline 437 with threonine.
Molecular consequence: missense variant.
Genome position (GRCh38, 1-based): chr11:72,231,001, C>A. VCF-style: chr11-72231001-C-A. GRCh37 (hg19) VCF-style: chr11-71942045-C-A.
Other names: short protein forms P437T.
Identifiers: ClinVar variation 1906373 (VCV001906373.5), dbSNP rs777378156, ClinGen allele CA6170003.

ClinVar aggregate classification (germline): Uncertain significance (1 of 4 stars; one submission).

Allele frequency attached by ClinVar (database versions not stated): TOPMed below 0.00001; ExAC 0.00001; gnomAD exomes 0.00001.
gnomAD v4.1: 22 of 1,613,322 alleles (0.0014%); highest among the groups gnomAD compares: Non-Finnish European, 0.0018%; no homozygotes.

Submission:

Labcorp Genetics (formerly Invitae), Labcorp
Classification: Uncertain significance. Last evaluated: 2025-09-08. Review status: criteria provided, single submitter. Criteria: Invitae Variant Classification Sherloc (09022015). Collection method: clinical testing. Allele origin: germline.
Comment: This sequence change replaces proline, which is neutral and non-polar, with threonine, which is neutral and polar, at codon 437 of the INPPL1 protein (p.Pro437Thr). This variant is present in population databases (rs777378156, gnomAD 0.0009%). This variant has not been reported in the literature in individuals affected with INPPL1-related conditions. ClinVar contains an entry for this variant (Variation ID: 1906373). An algorithm developed to predict the effect of missense changes on protein structure and function (PolyPhen-2) suggests that this variant is likely to be disruptive. In summary, the available evidence is currently insufficient to determine the role of this variant in disease. Therefore, it has been classified as a Variant of Uncertain Significance.